The following is an entry in ClinVar:

NM_000465.4(BARD1):c.540T>G (p.Tyr180Ter)

Gene: BARD1 (BRCA1 associated RING domain 1; minus strand). Cytogenetic location: 2q35.
Variant type: single nucleotide variant.
Coding change: c.540T>G on transcript NM_000465.4 (MANE Select); coding-DNA position 540, T replaced by G.
Protein change: p.Tyr180Ter; replaces tyrosine 180 with a stop codon.
Molecular consequence: nonsense. On other transcripts: non-coding transcript variant (2), intron variant (3).
Genome position (GRCh38, 1-based): chr2:214,781,334, A>C on the plus strand (T>G on the coding strand, the complement: BARD1 is on the minus strand). VCF-style: chr2-214781334-A-C. GRCh37 (hg19) VCF-style: chr2-215646058-A-C.
Other names: c.483T>G, p.Tyr161Ter (NM_001282543.2); c.158+28078T>G (NM_001282548.2); c.215+15727T>G (NM_001282545.2); c.364+10963T>G (NM_001282549.2); short protein forms Y161*, Y180*.
Identifiers: ClinVar variation 3904749 (VCV003904749.1).
Genomic context (GRCh38, chr2:214,781,334, plus strand): 5'-TGCAGAAGCCTTTTTAGCCCTCTCAGAAACATCTGCAGGAGGACTTGGGGAAACAAATTC[A>C]TATGAGTCTTGCTGAGCACTTGCATCTTTTTTTATTGCAGGCTGGGTTTGCACTGAAGCT-3'

ClinVar aggregate classification (germline): Pathogenic (1 of 4 stars; one submission).

Conditions:
Familial cancer of breast. Also called: Hereditary breast cancer; hereditary breast carcinoma; BREAST CANCER, FAMILIAL. Identifiers: Orphanet 227535, MedGen C0346153, MONDO:0016419, OMIM 114480. Disease mechanism: loss of function.

Submission:

Myriad Genetics, Inc.
Classification: Pathogenic for Familial cancer of breast. Last evaluated: 2025-03-19. Review status: criteria provided, single submitter. Criteria: Myriad Autosomal Dominant, Autosomal Recessive and X-Linked Classification Criteria (2023). Collection method: clinical testing. Allele origin: unknown.
Comment: This variant is considered pathogenic. This variant creates a termination codon and is predicted to result in premature protein truncation.